The following is an entry in ClinVar:

ClinVar aggregate classification (germline): Uncertain significance (1 of 4 stars; one submission).

Conditions:
Nephronophthisis. Also called: Juvenile Nephronophthisis. Identifiers: Orphanet 655, MedGen C0687120, MONDO:0019005, HP:0000090.
Jeune thoracic dystrophy. Also called: Jeune syndrome; Infantile thoracic dystrophy; Thoracic pelvic phalangeal dystrophy; Jeune's syndrome; Chondroectodermal dysplasia-like syndrome; Short-rib thoracic dysplasia. Identifiers: Orphanet 474, MedGen C0265275, MONDO:0018770.

Allele frequency attached by ClinVar (database versions not stated): TOPMed below 0.00001; gnomAD exomes 0.00001.
gnomAD v4.1: 9 of 1,613,478 alleles (0.00056%); highest among the groups gnomAD compares: Non-Finnish European, 0.000085%; no homozygotes.

Submission:

Labcorp Genetics (formerly Invitae), Labcorp
Classification: Uncertain significance for Jeune thoracic dystrophy; Nephronophthisis. Last evaluated: 2022-09-01. Review status: criteria provided, single submitter. Criteria: Invitae Variant Classification Sherloc (09022015). Collection method: clinical testing. Allele origin: germline.
Comment: This variant is present in population databases (no rsID available, gnomAD 0.009%). In summary, the available evidence is currently insufficient to determine the role of this variant in disease. Therefore, it has been classified as a Variant of Uncertain Significance. Algorithms developed to predict the effect of missense changes on protein structure and function output the following: SIFT: "Tolerated"; PolyPhen-2: "Benign"; Align-GVGD: "Class C0". The proline amino acid residue is found in multiple mammalian species, which suggests that this missense change does not adversely affect protein function. ClinVar contains an entry for this variant (Variation ID: 1488609). This variant has not been reported in the literature in individuals affected with TTC21B-related conditions. This sequence change replaces serine, which is neutral and polar, with proline, which is neutral and non-polar, at codon 138 of the TTC21B protein (p.Ser138Pro).

NM_024753.5(TTC21B):c.412T>C (p.Ser138Pro)

Genes: TTC21B-AS1 (TTC21B antisense RNA 1; plus strand), TTC21B (tetratricopeptide repeat domain 21B; minus strand). Cytogenetic location: 2q24.3.
Variant type: single nucleotide variant.
Coding change: c.412T>C on transcript NM_024753.5 (MANE Select); coding-DNA position 412, T replaced by C.
Protein change: p.Ser138Pro; replaces serine 138 with proline.
Molecular consequence: missense variant.
Genome position (GRCh38, 1-based): chr2:165,945,541, A>G on the plus strand (T>C on the coding strand, the complement: TTC21B is on the minus strand). VCF-style: chr2-165945541-A-G. GRCh37 (hg19) VCF-style: chr2-166802051-A-G.
Other names: short protein forms S138P.
Identifiers: ClinVar variation 1488609 (VCV001488609.6), dbSNP rs1315060629, ClinGen allele CA349053367.